The following is an entry in ClinVar:

NM_025114.4(CEP290):c.6787A>G (p.Ser2263Gly)

Gene: CEP290 (centrosomal protein 290; minus strand). Cytogenetic location: 12q21.32.
Variant type: single nucleotide variant.
Coding change: c.6787A>G on transcript NM_025114.4 (MANE Select); coding-DNA position 6787, A replaced by G.
Protein change: p.Ser2263Gly; replaces serine 2263 with glycine.
Molecular consequence: missense variant.
Genome position (GRCh38, 1-based): chr12:88,058,879, T>C on the plus strand (A>G on the coding strand, the complement: CEP290 is on the minus strand). VCF-style: chr12-88058879-T-C. GRCh37 (hg19) VCF-style: chr12-88452656-T-C.
Other names: short protein forms S2263G.
Identifiers: ClinVar variation 143156 (VCV000143156.34), dbSNP rs77778467, ClinGen allele CA207418.
Genomic context (GRCh38, chr12:88,058,879, plus strand): 5'-TTTGTACAAGTTTAAAACTCTGTTCCTACCTTGTAACCACAATGGATTTCCAGCTCTTAC[T>C]GTCAGCACCTTCAAGCTGTGGACCTCTGCTTTCTGCAAACTGCAATCTCTTACCAGTCTC-3'
Protein context (NP_079390.3, residues 2253-2273): SRGPQLEGAD[Ser2263Gly]KSWKSIVVTR

ClinVar aggregate classification (germline): Conflicting classifications of pathogenicity. Review status: criteria provided, conflicting classifications (1 of 4 stars). 18 submissions from 14 submitters: Uncertain significance (10); Benign (2); Likely benign (4). 2 of the submissions do not count toward it. Last evaluated 2026-04-09.

Conditions:
CEP290-related disorder. Also called: CEP290-related disorders; CEP290-related condition. Identifiers: MedGen CN239314.
Meckel-Gruber syndrome. Also called: Dysencephalia splachnocystica; DYSENCEPHALIA SPLANCHNOCYSTICA; GRUBER SYNDROME. Identifiers: Orphanet 564, MedGen C0265215, MONDO:0018921.
Joubert syndrome. Also called: Familial aplasia of the vermis; JOUBERT-BOLTSHAUSER SYNDROME. Identifiers: Orphanet 475, MedGen C5979921, MONDO:0018772.
Nephronophthisis. Also called: Juvenile Nephronophthisis. Identifiers: Orphanet 655, MedGen C0687120, MONDO:0019005, HP:0000090.
Retinal dystrophy. Also called: Inherited retinal dystrophy. Identifiers: Orphanet 71862, MedGen C0854723, MeSH D058499, MONDO:0019118, HP:0000556.
Leber congenital amaurosis (LCA). Also called: Leber's amaurosis. Identifiers: Orphanet 65, MedGen C0339527, MeSH D057130, MONDO:0018998.
Joubert syndrome 1 (JBTS1). Also called: Cerebellooculorenal syndrome 1; CEREBELLOPARENCHYMAL DISORDER IV. Identifiers: MedGen C4551568, MONDO:0008944, OMIM 213300.
Meckel syndrome, type 4 (MKS4). Also called: MECKEL-GRUBER SYNDROME, TYPE 4. Identifiers: Orphanet 564, MedGen C1970161, MONDO:0012626, OMIM 611134.
Bardet-Biedl syndrome 14 (BBS14). Identifiers: Orphanet 110, MedGen C2673874, MONDO:0014442, OMIM 615991.
Senior-Loken syndrome 6 (SLSN6). Identifiers: Orphanet 3156, MedGen C1857779, MONDO:0012433, OMIM 610189.
Leber congenital amaurosis 10 (LCA10). Identifiers: Orphanet 65, MedGen C1857821, MONDO:0012723, OMIM 611755.
Joubert syndrome 5 (JBTS5). Identifiers: Orphanet 2318, MedGen C1857780, MONDO:0012432, OMIM 610188.

Allele frequency attached by ClinVar (database versions not stated): gnomAD exomes 0.00021 and 0.00065; gnomAD 0.00022 and 0.00029; TOPMed 0.00049; ExAC 0.00063; 1000 Genomes Project 0.00120; 1000 Genomes Project 30x 0.00156.
gnomAD v4.1: 365 of 1,613,976 alleles (0.023%); highest among the groups gnomAD compares: East Asian, 0.66%; 1 homozygote.

Submissions (20):

PreventionGenetics, part of Exact Sciences
Classification: Likely benign for CEP290-related condition. Last evaluated: 2026-04-09. Review status: criteria provided, single submitter. Criteria: ACMG Guidelines, 2015. Collection method: clinical testing. Allele origin: germline.
Comment: This variant is classified as likely benign based on ACMG/AMP sequence variant interpretation guidelines (Richards et al. 2015 PMID: 25741868, with internal and published modifications).

Labcorp Genetics (formerly Invitae), Labcorp
Classification: Benign for Joubert syndrome; Meckel-Gruber syndrome; Nephronophthisis. Last evaluated: 2026-02-04. Review status: criteria provided, single submitter. Criteria: Invitae Variant Classification Sherloc (09022015). Collection method: clinical testing. Allele origin: germline.

Blueprint Genetics
Classification: Likely benign. Last evaluated: 2024-10-31. Review status: criteria provided, single submitter. Criteria: ACMG Guidelines, 2015. Collection method: clinical testing. Allele origin: germline.

Dept Of Ophthalmology, Nagoya University
Classification: Uncertain significance for Retinal dystrophy. Last evaluated: 2023-10-01. Review status: criteria provided, single submitter. Criteria: Submitter's publication. Collection method: research. Allele origin: germline. Affected: yes.

Women's Health and Genetics/Laboratory Corporation of America, LabCorp
Classification: Uncertain significance. Last evaluated: 2022-03-30. Review status: criteria provided, single submitter. Criteria: LabCorp Variant Classification Summary - May 2015. Collection method: clinical testing. Allele origin: germline.
Comment: Variant summary: CEP290 c.6787A>G (p.Ser2263Gly) results in a non-conservative amino acid change in the encoded protein sequence. Three of five in-silico tools predict a benign effect of the variant on protein function. The variant allele was found at a frequency of 0.00065 in 249100 control chromosomes in the gnomAD database, including 1 homozygotes. c.6787A>G has been reported in the literature in individuals affected with Leber congenital amaurosis and unexplained epilepsy, without strong evidence for causality (eg. Li_2011, Oishi_2014, Wang_2019, Xu_2016). These reports do not provide unequivocal conclusions about association of the variant with CEP290-Related Disorders. To our knowledge, no experimental evidence demonstrating an impact on protein function has been reported. Nine clinical diagnostic laboratories have submitted clinical-significance assessments for this variant to ClinVar after 2014 without evidence for independent evaluation. Four submitters classified the variant as VUS while five classified the variant as likely benign/benign. Based on the evidence outlined above, the variant was classified as uncertain significance.

Mendelics
Classification: Benign for Joubert syndrome 1. Last evaluated: 2019-05-28. Review status: criteria provided, single submitter. Criteria: Mendelics Assertion Criteria 2017. Collection method: clinical testing. Allele origin: unknown.

Genetic Services Laboratory, University of Chicago
Classification: Likely benign. Last evaluated: 2019-03-15. Review status: criteria provided, single submitter. Criteria: ACMG Guidelines, 2015. Collection method: clinical testing. Allele origin: germline. Affected: no.

Eurofins Ntd Llc (ga)
Classification: Uncertain significance. Last evaluated: 2017-11-02. Review status: criteria provided, single submitter. Criteria: EGL Classification Definitions 2015. Collection method: clinical testing. Allele origin: germline. Observed: 1 variant allele, 1 heterozygote.

GeneDx
Classification: Likely benign. Last evaluated: 2017-08-31. Review status: criteria provided, single submitter. Criteria: GeneDx Variant Classification (06012015). Collection method: clinical testing. Allele origin: germline. Affected: yes.
Comment: This variant is considered likely benign or benign based on one or more of the following criteria: it is a conservative change, it occurs at a poorly conserved position in the protein, it is predicted to be benign by multiple in silico algorithms, and/or has population frequency not consistent with disease.

Center for Pediatric Genomic Medicine, Children's Mercy Hospital and Clinics
Classification: Uncertain significance. Last evaluated: 2017-06-02. Review status: criteria provided, single submitter. Criteria: ACMG Guidelines, 2015. Collection method: clinical testing. Allele origin: germline.

Illumina Laboratory Services, Illumina
Classification: Uncertain significance for Senior-Loken syndrome 6. Last evaluated: 2017-04-27. Review status: criteria provided, single submitter. Criteria: ICSL Variant Classification Criteria 13 December 2019. Collection method: clinical testing. Allele origin: germline.

Illumina Laboratory Services, Illumina
Classification: Uncertain significance for Bardet-Biedl syndrome 14. Last evaluated: 2017-04-27. Review status: criteria provided, single submitter. Criteria: ICSL Variant Classification Criteria 13 December 2019. Collection method: clinical testing. Allele origin: germline.

Illumina Laboratory Services, Illumina
Classification: Uncertain significance for Leber congenital amaurosis 10. Last evaluated: 2017-04-27. Review status: criteria provided, single submitter. Criteria: ICSL Variant Classification Criteria 13 December 2019. Collection method: clinical testing. Allele origin: germline.
Comment: This variant was observed as part of a predisposition screen in an ostensibly healthy population. A literature search was performed for the gene, cDNA change, and amino acid change (where applicable). Publications were found based on this search. However, the evidence from the literature, in combination with allele frequency data from public databases where available, was not sufficient to rule this variant in or out of causing disease. Therefore, this variant is classified as a variant of unknown significance.

Illumina Laboratory Services, Illumina
Classification: Uncertain significance for Meckel syndrome, type 4. Last evaluated: 2017-04-27. Review status: criteria provided, single submitter. Criteria: ICSL Variant Classification Criteria 13 December 2019. Collection method: clinical testing. Allele origin: germline.

Illumina Laboratory Services, Illumina
Classification: Uncertain significance for Joubert syndrome 5. Last evaluated: 2017-04-27. Review status: criteria provided, single submitter. Criteria: ICSL Variant Classification Criteria 13 December 2019. Collection method: clinical testing. Allele origin: germline.

Soonchunhyang University Bucheon Hospital, Soonchunhyang University Medical Center
Classification: Uncertain significance for Leber congenital amaurosis 10. Last evaluated: 2016-03-18. Review status: criteria provided, single submitter. Criteria: ACMG Guidelines, 2015. Collection method: reference population. Allele origin: germline. Observed: 3 variant alleles.

Natera, Inc.
Classification: Benign for Leber congenital amaurosis. Last evaluated: 2020-01-10. Review status: no assertion criteria provided. Collection method: clinical testing. Allele origin: germline. Not counted in ClinVar's aggregate classification.

Department of Ophthalmology and Visual Sciences Kyoto University
Classification: Likely benign. Review status: no assertion criteria provided. Collection method: not provided. Allele origin: unknown. Not counted in ClinVar's aggregate classification.
ClinVar note: Converted during submission from probable-non-pathogenic to Likely benign.

Dr. Peter K. Rogan Lab, Western University
No classification provided (evidence only). Condition: Hepatocellular carcinoma. Review status: no classification provided. Collection method: in vitro. Allele origin: not applicable. Functional consequence: retained intron. Not counted in ClinVar's aggregate classification.

Dr. Peter K. Rogan Lab, Western University
No classification provided (evidence only). Condition: Malignant tumor of esophagus. Review status: no classification provided. Collection method: in vitro. Allele origin: not applicable. Functional consequence: cryptic splice site, retained intron. Not counted in ClinVar's aggregate classification.

Literature cited by the submitters: PubMed 25324289 (cited by Women's Health and Genetics/Laboratory Corporation of America, LabCorp); PubMed 21602930 (cited by 3 submitters); PubMed 30776697 (cited by Women's Health and Genetics/Laboratory Corporation of America, LabCorp); PubMed 27375279 (cited by Women's Health and Genetics/Laboratory Corporation of America, LabCorp).